The following is an entry in ClinVar:

NM_000350.3(ABCA4):c.6310C>T (p.Gln2104Ter)

Gene: ABCA4 (ATP binding cassette subfamily A member 4; minus strand). Cytogenetic location: 1p22.1.
Variant type: single nucleotide variant.
Coding change: c.6310C>T on transcript NM_000350.3 (MANE Select); coding-DNA position 6310, C replaced by T.
Protein change: p.Gln2104Ter; replaces glutamine 2104 with a stop codon.
Molecular consequence: nonsense.
Genome position (GRCh38, 1-based): chr1:94,001,078, G>A on the plus strand (C>T on the coding strand, the complement: ABCA4 is on the minus strand). VCF-style: chr1-94001078-G-A. GRCh37 (hg19) VCF-style: chr1-94466634-G-A.
Other names: c.6088C>T, p.Gln2030Ter (NM_001425324.1); short protein forms Q2104*, Q2030*.
Identifiers: ClinVar variation 2098051 (VCV002098051.4), dbSNP rs2523624919, ClinGen allele CA341277577.

ClinVar aggregate classification (germline): Pathogenic (1 of 4 stars; one submission).

Submission:

Labcorp Genetics (formerly Invitae), Labcorp
Classification: Pathogenic. Last evaluated: 2022-02-20. Review status: criteria provided, single submitter. Criteria: Invitae Variant Classification Sherloc (09022015). Collection method: clinical testing. Allele origin: germline.
Comment: For these reasons, this variant has been classified as Pathogenic. This premature translational stop signal has been observed in individual(s) with ABCA4-related conditions (PMID: 32619608). This variant is not present in population databases (gnomAD no frequency). This sequence change creates a premature translational stop signal (p.Gln2104*) in the ABCA4 gene. It is expected to result in an absent or disrupted protein product. Loss-of-function variants in ABCA4 are known to be pathogenic (PMID: 10958761, 24938718, 25312043, 26780318).

Literature cited by the submitters: PubMed 32619608; PubMed 10958761; PubMed 24938718; PubMed 25312043; PubMed 26780318.